The following is an entry in ClinVar:

NM_017612.5(ZCCHC8):c.1813T>G (p.Ser605Ala)

Gene: ZCCHC8 (zinc finger CCHC-type containing 8; minus strand). Cytogenetic location: 12q24.31.
Variant type: single nucleotide variant.
Coding change: c.1813T>G on transcript NM_017612.5 (MANE Select); coding-DNA position 1813, T replaced by G.
Protein change: p.Ser605Ala; replaces serine 605 with alanine.
Molecular consequence: missense variant.
Genome position (GRCh38, 1-based): chr12:122,473,808, A>C on the plus strand (T>G on the coding strand, the complement: ZCCHC8 is on the minus strand). VCF-style: chr12-122473808-A-C. GRCh37 (hg19) VCF-style: chr12-122958355-A-C.
Other names: c.1582T>G, p.Ser528Ala (NM_001350935.2); c.1516T>G, p.Ser506Ala (NM_001350936.2); c.1099T>G, p.Ser367Ala (NM_001350937.2, NM_001350938.2); short protein forms S367A, S506A, S605A, S528A.
Identifiers: ClinVar variation 2145113 (VCV002145113.4), dbSNP rs1455625484, ClinGen allele CA387047633.
Genomic context (GRCh38, chr12:122,473,808, plus strand): 5'-CAAGAAGGGCACCTTCAGTGTTTACCGGAGCCAACTCTGCTTTTTCCTTCTGACAAAGTG[A>C]TGTCACCTCAGAGTCTGGACTGGAGGCATGTCCAGCTTCTGATTTCTTTGTAAAAATCTC-3'
Protein context (NP_060082.2, residues 595-615): HASSPDSEVT[Ser605Ala]LCQKEKAELA

ClinVar aggregate classification (germline): Uncertain significance (1 of 4 stars; one submission).

Allele frequency attached by ClinVar (database versions not stated): TOPMed below 0.00001; gnomAD 0.00001.
gnomAD v4.1: 12 of 1,613,252 alleles (0.00074%); highest among the groups gnomAD compares: Non-Finnish European, 0.001%; no homozygotes.

Submission:

Labcorp Genetics (formerly Invitae), Labcorp
Classification: Uncertain significance. Last evaluated: 2025-04-19. Review status: criteria provided, single submitter. Criteria: Invitae Variant Classification Sherloc (09022015). Collection method: clinical testing. Allele origin: germline.
Comment: This sequence change replaces serine, which is neutral and polar, with alanine, which is neutral and non-polar, at codon 605 of the ZCCHC8 protein (p.Ser605Ala). This variant is not present in population databases (gnomAD no frequency). This variant has not been reported in the literature in individuals affected with ZCCHC8-related conditions. ClinVar contains an entry for this variant (Variation ID: 2145113). Invitae Evidence Modeling of protein sequence and biophysical properties (such as structural, functional, and spatial information, amino acid conservation, physicochemical variation, residue mobility, and thermodynamic stability) indicates that this missense variant is not expected to disrupt ZCCHC8 protein function with a negative predictive value of 80%. In summary, the available evidence is currently insufficient to determine the role of this variant in disease. Therefore, it has been classified as a Variant of Uncertain Significance.